The following is an entry in ClinVar:

ClinVar aggregate classification (germline): Uncertain significance (1 of 4 stars; one submission).

Allele frequency attached by ClinVar (database versions not stated): gnomAD 0.00005 and 0.00006; TOPMed 0.00007.
gnomAD v4.1: 114 of 1,613,742 alleles (0.0071%); highest among the groups gnomAD compares: Non-Finnish European, 0.0095%; no homozygotes.

Submission:

Labcorp Genetics (formerly Invitae), Labcorp
Classification: Uncertain significance. Last evaluated: 2026-01-14. Review status: criteria provided, single submitter. Criteria: Invitae Variant Classification Sherloc (09022015). Collection method: clinical testing. Allele origin: germline.
Comment: This sequence change falls in intron 9 of the MYLK3 gene. It does not directly change the encoded amino acid sequence of the MYLK3 protein. It affects a nucleotide within the consensus splice site. This variant is present in population databases (rs755823895, gnomAD 0.009%). This variant has not been reported in the literature in individuals affected with MYLK3-related conditions. ClinVar contains an entry for this variant (Variation ID: 1440828). Variants that disrupt the consensus splice site are a relatively common cause of aberrant splicing (PMID: 17576681, 9536098). Algorithms developed to predict the effect of sequence changes on RNA splicing suggest that this variant may disrupt the consensus splice site. In summary, the available evidence is currently insufficient to determine the role of this variant in disease. Therefore, it has been classified as a Variant of Uncertain Significance.

Literature cited by the submitters: PubMed 17576681; PubMed 9536098.

NM_182493.3(MYLK3):c.1985+5G>C

Gene: MYLK3 (myosin light chain kinase 3; minus strand). Cytogenetic location: 16q11.2.
Variant type: single nucleotide variant.
Coding change: c.1985+5G>C on transcript NM_182493.3 (MANE Select); 5 bases into the intron after coding-DNA position 1985, G replaced by C.
Molecular consequence: intron variant.
Genome position (GRCh38, 1-based): chr16:46,721,118, C>G on the plus strand (G>C on the coding strand, the complement: MYLK3 is on the minus strand). VCF-style: chr16-46721118-C-G. GRCh37 (hg19) VCF-style: chr16-46755030-C-G.
Other names: c.962+5G>C (NM_001308301.1).
Identifiers: ClinVar variation 1440828 (VCV001440828.7), dbSNP rs755823895, ClinGen allele CA8037778.